The following is an entry in ClinVar:

NM_006536.7(CLCA2):c.585-4T>G

Gene: CLCA2 (chloride channel accessory 2; plus strand). Cytogenetic location: 1p22.3.
Variant type: single nucleotide variant.
Coding change: c.585-4T>G on transcript NM_006536.7 (MANE Select); 4 bases into the intron before coding-DNA position 585, T replaced by G.
Molecular consequence: intron variant.
Genome position (GRCh38, 1-based): chr1:86,432,365, T>G. VCF-style: chr1-86432365-T-G. GRCh37 (hg19) VCF-style: chr1-86898048-T-G.
Identifiers: ClinVar variation 2638908 (VCV002638908.24), dbSNP rs199642068, ClinGen allele CA933807.

ClinVar aggregate classification (germline): Likely benign (1 of 4 stars; one submission).

Allele frequency attached by ClinVar (database versions not stated): 1000 Genomes Project 30x 0.00016; 1000 Genomes Project 0.00020; ExAC 0.00119; TOPMed 0.00124; gnomAD 0.00138; gnomAD exomes 0.00144; ESP Exome Variant Server 0.00154.
gnomAD v4.1: 2,338 of 1,612,406 alleles (0.15%); highest among the groups gnomAD compares: Non-Finnish European, 0.14%; 7 homozygotes.

Submission:

CeGaT Center for Human Genetics Tuebingen
Classification: Likely benign. Last evaluated: 2023-08-01. Review status: criteria provided, single submitter. Criteria: CeGaT Center For Human Genetics Tuebingen Variant Classification Criteria Version 2. Collection method: clinical testing. Allele origin: germline. Affected: yes. Observed: 1 variant allele.
Comment: CLCA2: BP4